The following is an entry in ClinVar:

ClinVar aggregate classification (germline): Likely benign (1 of 4 stars; one submission).

Allele frequency attached by ClinVar (database versions not stated): TOPMed 0.00003; gnomAD exomes 0.00005; gnomAD 0.00007; ExAC 0.00015.
gnomAD v4.1: 68 of 1,182,034 alleles (0.0058%); highest among the groups gnomAD compares: Non-Finnish European, 0.0065%; no homozygotes.

Submission:

CeGaT Center for Human Genetics Tuebingen
Classification: Likely benign. Last evaluated: 2023-04-01. Review status: criteria provided, single submitter. Criteria: CeGaT Center For Human Genetics Tuebingen Variant Classification Criteria Version 2. Collection method: clinical testing. Allele origin: germline. Affected: yes. Observed: 1 variant allele.
Comment: OTUD5: BP4, BP7, BS2

NM_001136157.2(OTUD5):c.582C>T (p.Ala194=)

Gene: OTUD5 (OTU deubiquitinase 5; minus strand). Cytogenetic location: Xp11.23.
Variant type: single nucleotide variant.
Coding change: c.582C>T on transcript NM_001136157.2 (MANE Select); coding-DNA position 582, C replaced by T.
Protein change: p.Ala194=; no amino-acid change (alanine 194 retained).
Molecular consequence: synonymous variant. On other transcripts: intron variant (1).
Genome position (GRCh38, 1-based): chrX:48,956,989, G>A on the plus strand (C>T on the coding strand, the complement: OTUD5 is on the minus strand). VCF-style: chrX-48956989-G-A. GRCh37 (hg19) VCF-style: chrX-48814251-G-A.
Other names: c.582C>T, p.Ala194= (NM_001136158.2, NM_017602.4); c.-58+1243C>T (NM_001136159.2).
Identifiers: ClinVar variation 2660491 (VCV002660491.24), dbSNP rs782369636, ClinGen allele CA10406585.